The following is an entry in ClinVar:

ClinVar aggregate classification (germline): Pathogenic/Likely pathogenic. Review status: criteria provided, multiple submitters, no conflicts (2 of 4 stars). 4 submissions from 4 submitters: Pathogenic (3); Likely pathogenic (1). Last evaluated 2025-02-05.

Conditions:
Hereditary breast ovarian cancer syndrome. Also called: Hereditary breast and ovarian cancer; Hereditary breast and ovarian cancer syndrome; Hereditary breast and/or ovarian cancer syndrome; BRCA1- and BRCA2-Associated Hereditary Breast and Ovarian Cancer; Hereditary breast and ovarian cancer syndrome (HBOC); Breast and ovarian cancer. Identifiers: Orphanet 145, MedGen C0677776, MeSH D061325, MONDO:0003582. Disease mechanism: loss of function.
Familial cancer of breast. Also called: hereditary breast carcinoma; Hereditary breast cancer; BREAST CANCER, FAMILIAL. Identifiers: Orphanet 227535, MedGen C0346153, MONDO:0016419, OMIM 114480. Disease mechanism: loss of function.
Hereditary cancer-predisposing syndrome. Also called: Tumor predisposition; Hereditary neoplastic syndrome; Hereditary Cancer Syndrome; Neoplastic Syndromes, Hereditary. Identifiers: Orphanet 140162, MedGen C0027672, MeSH D009386, MONDO:0015356.

Submissions (4):

Ambry Genetics
Classification: Pathogenic for Hereditary cancer-predisposing syndrome. Last evaluated: 2025-02-05. Review status: criteria provided, single submitter. Criteria: Ambry Variant Classification Scheme 2023. Collection method: clinical testing. Allele origin: germline.
Comment: The c.6014delA pathogenic mutation, located in coding exon 10 of the BRCA2 gene, results from a deletion of one nucleotide at nucleotide position 6014, causing a translational frameshift with a predicted alternate stop codon (p.D2005Vfs*35). This variant is considered to be rare based on population cohorts in the Genome Aggregation Database (gnomAD). This alteration is expected to result in loss of function by premature protein truncation or nonsense-mediated mRNA decay. As such, this alteration is interpreted as a disease-causing mutation.

Color Diagnostics, LLC DBA Color Health
Classification: Pathogenic for Hereditary cancer-predisposing syndrome. Last evaluated: 2023-03-27. Review status: criteria provided, single submitter. Criteria: ACMG Guidelines, 2015. Collection method: clinical testing. Allele origin: germline.
Comment: This variant deletes 1 nucleotide in exon 11 of the BRCA2 gene, creating a frameshift and premature translation stop signal. This variant is expected to result in an absent or non-functional protein product. To our knowledge, this variant has not been reported in individuals affected with hereditary cancer in the literature. This variant has not been identified in the general population by the Genome Aggregation Database (gnomAD). Loss of BRCA2 function is a known mechanism of disease. Based on the available evidence, this variant is classified as Pathogenic.

Baylor Genetics
Classification: Likely pathogenic for Familial cancer of breast. Last evaluated: 2021-10-14. Review status: criteria provided, single submitter. Criteria: ACMG Guidelines, 2015. Collection method: clinical testing. Allele origin: unknown.

Labcorp Genetics (formerly Invitae), Labcorp
Classification: Pathogenic for Hereditary breast ovarian cancer syndrome. Last evaluated: 2021-09-02. Review status: criteria provided, single submitter. Criteria: Invitae Variant Classification Sherloc (09022015). Collection method: clinical testing. Allele origin: germline.
Comment: This sequence change creates a premature translational stop signal (p.Asp2005Valfs*35) in the BRCA2 gene. It is expected to result in an absent or disrupted protein product. Loss-of-function variants in BRCA2 are known to be pathogenic (PMID: 20104584). This variant is not present in population databases (ExAC no frequency). This variant has not been reported in the literature in individuals affected with BRCA2-related conditions. ClinVar contains an entry for this variant (Variation ID: 1171369). For these reasons, this variant has been classified as Pathogenic.

Literature cited by the submitters: PubMed 20104584 (cited by Labcorp Genetics (formerly Invitae), Labcorp).

NM_000059.4(BRCA2):c.6014del (p.Asp2005fs)

Gene: BRCA2 (BRCA2 DNA repair associated; plus strand). Cytogenetic location: 13q13.1.
Variant type: Deletion.
Coding change: c.6014del on transcript NM_000059.4 (MANE Select); coding-DNA position 6014, one base deleted (A; older notation c.6014delA).
Protein change: p.Asp2005fs; shifts the reading frame from aspartic acid 2005.
Molecular consequence: frameshift variant.
Genome position (GRCh38, 1-based): chr13:32,340,369, A deleted. VCF-style (leftmost placement, unchanged base first): chr13-32340368-GA-G. GRCh37 (hg19) VCF-style: chr13-32914505-GA-G.
Other names: c.6014delA (NM_000059.3); short protein forms D2005fs.
Identifiers: ClinVar variation 1171369 (VCV001171369.15), dbSNP rs2137523279, ClinGen allele CA2499222220.